The following is an entry in ClinVar:

ClinVar aggregate classification (germline): Uncertain significance (1 of 4 stars; one submission).

Allele frequency attached by ClinVar (database versions not stated): gnomAD exomes 0.00001.

Submission:

Labcorp Genetics (formerly Invitae), Labcorp
Classification: Uncertain significance. Last evaluated: 2024-12-02. Review status: criteria provided, single submitter. Criteria: Invitae Variant Classification Sherloc (09022015). Collection method: clinical testing. Allele origin: germline.
Comment: This sequence change replaces proline, which is neutral and non-polar, with leucine, which is neutral and non-polar, at codon 9 of the ATOH7 protein (p.Pro9Leu). This variant is not present in population databases (gnomAD no frequency). This variant has not been reported in the literature in individuals affected with ATOH7-related conditions. ClinVar contains an entry for this variant (Variation ID: 1396630). An algorithm developed to predict the effect of missense changes on protein structure and function outputs the following: PolyPhen-2: "Benign". The leucine amino acid residue is found in multiple mammalian species, which suggests that this missense change does not adversely affect protein function. In summary, the available evidence is currently insufficient to determine the role of this variant in disease. Therefore, it has been classified as a Variant of Uncertain Significance.

NM_145178.4(ATOH7):c.26C>T (p.Pro9Leu)

Genes: ATOH7 (atonal bHLH transcription factor 7; minus strand), LOC130003943 (ATAC-STARR-seq lymphoblastoid silent region 2418; plus strand). Cytogenetic location: 10q21.3.
Variant type: single nucleotide variant.
Coding change: c.26C>T on transcript NM_145178.4 (MANE Select); coding-DNA position 26, C replaced by T.
Protein change: p.Pro9Leu; replaces proline 9 with leucine.
Molecular consequence: missense variant.
Genome position (GRCh38, 1-based): chr10:68,231,652, G>A on the plus strand (C>T on the coding strand, the complement: ATOH7 is on the minus strand). VCF-style: chr10-68231652-G-A. GRCh37 (hg19) VCF-style: chr10-69991409-G-A.
Other names: short protein forms P9L.
Identifiers: ClinVar variation 1396630 (VCV001396630.6), dbSNP rs2134380867, ClinGen allele CA376837944.